The following is an entry in ClinVar:

ClinVar aggregate classification (germline): Conflicting classifications of pathogenicity. Review status: criteria provided, conflicting classifications (1 of 4 stars). 5 submissions from 5 submitters: Uncertain significance (3); Likely benign (2). Last evaluated 2026-01-27.

Conditions:
Multiple endocrine neoplasia type 2A. Also called: MULTIPLE ENDOCRINE NEOPLASIA, TYPE IIA; PTC SYNDROME; SIPPLE SYNDROME; MEN 2A; MEN-2A syndrome; Pheochromocytoma and amyloid producing medullary thyroid carcinoma. Identifiers: Orphanet 247698, Orphanet 653, MedGen C0025268, MeSH D018813, MONDO:0008234, OMIM 171400.
Hereditary cancer-predisposing syndrome. Also called: Neoplastic Syndromes, Hereditary; Hereditary Cancer Syndrome; Hereditary neoplastic syndrome; Tumor predisposition. Identifiers: Orphanet 140162, MedGen C0027672, MeSH D009386, MONDO:0015356.
Multiple endocrine neoplasia, type 2 (MEN2). Identifiers: Orphanet 653, MedGen C4048306, MONDO:0019003. Disease mechanism: gain of function.

Allele frequency attached by ClinVar (database versions not stated): gnomAD 0.00001; gnomAD exomes 0.00001 and 0.00002; ExAC 0.00004.

Submissions (5):

Labcorp Genetics (formerly Invitae), Labcorp
Classification: Uncertain significance for Multiple endocrine neoplasia, type 2. Last evaluated: 2026-01-27. Review status: criteria provided, single submitter. Criteria: Invitae Variant Classification Sherloc (09022015). Collection method: clinical testing. Allele origin: germline.
Comment: This sequence change replaces arginine, which is basic and polar, with glutamine, which is neutral and polar, at codon 525 of the RET protein (p.Arg525Gln). The frequency data for this variant in the population databases is considered unreliable, as metrics indicate poor data quality at this position in the gnomAD database. This variant has not been reported in the literature in individuals affected with RET-related conditions. ClinVar contains an entry for this variant (Variation ID: 477321). An algorithm developed to predict the effect of missense changes on protein structure and function outputs the following: PolyPhen-2: "Benign". The glutamine amino acid residue is found in multiple mammalian species, which suggests that this missense change does not adversely affect protein function. In summary, the available evidence is currently insufficient to determine the role of this variant in disease. Therefore, it has been classified as a Variant of Uncertain Significance.

Color Diagnostics, LLC DBA Color Health
Classification: Uncertain significance for Multiple endocrine neoplasia, type 2. Last evaluated: 2025-06-12. Review status: criteria provided, single submitter. Criteria: ACMG Guidelines, 2015. Collection method: clinical testing. Allele origin: germline.
Comment: This missense variant replaces arginine with glutamine at codon 525 of the RET protein. Computational prediction suggests that this variant may not impact protein structure and function. To our knowledge, functional studies have not been reported for this variant. This variant has not been reported as germline in individuals affected with RET-related disorders in the literature. This variant has been identified in 5/212994 chromosomes in the general population by the Genome Aggregation Database (gnomAD). The available evidence is insufficient to determine the role of this variant in disease conclusively. Therefore, this variant is classified as a Variant of Uncertain Significance.

Myriad Genetics, Inc.
Classification: Likely benign for Multiple endocrine neoplasia type 2A. Last evaluated: 2024-08-08. Review status: criteria provided, single submitter. Criteria: Myriad Autosomal Dominant, Autosomal Recessive and X-Linked Classification Criteria (2023). Collection method: clinical testing. Allele origin: unknown.
Comment: This variant is considered likely benign. This variant has been observed at a population frequency that is significantly greater than expected given the associated disease prevalence and penetrance.

All of Us Research Program, National Institutes of Health
Classification: Uncertain significance for Multiple endocrine neoplasia, type 2. Last evaluated: 2023-08-08. Review status: criteria provided, single submitter. Criteria: ACMG Guidelines, 2015. Collection method: clinical testing. Allele origin: germline. Inheritance: Autosomal dominant inheritance. Observed: 2 variant alleles, 2 heterozygotes.
Comment: This study involves interpretation of variants in research participants for the purpose of population health screening. Participant phenotype was not available at the time of variant classification. Additional details can be found in publication PMID: 35346344, PMCID: PMC8962531

Ambry Genetics
Classification: Likely benign for Hereditary cancer-predisposing syndrome. Last evaluated: 2022-04-26. Review status: criteria provided, single submitter. Criteria: Ambry Variant Classification Scheme 2023. Collection method: clinical testing. Allele origin: germline.

NM_020975.6(RET):c.1574G>A (p.Arg525Gln)

Gene: RET (ret proto-oncogene; plus strand). Cytogenetic location: 10q11.21.
Variant type: single nucleotide variant.
Coding change: c.1574G>A on transcript NM_020975.6 (MANE Select); coding-DNA position 1574, G replaced by A.
Protein change: p.Arg525Gln; replaces arginine 525 with glutamine.
Molecular consequence: missense variant.
Genome position (GRCh38, 1-based): chr10:43,112,150, G>A. VCF-style: chr10-43112150-G-A. GRCh37 (hg19) VCF-style: chr10-43607598-G-A.
Other names: c.548G>A, p.Arg183Gln (NM_001406783.1, NM_001406786.1); c.584G>A, p.Arg195Gln (NM_001406784.1); c.677G>A, p.Arg226Gln (NM_001406785.1, NM_001406787.1, NM_001406779.1 and 3 more transcripts); c.389G>A, p.Arg130Gln (NM_001406790.1, NM_001406788.1, NM_001406789.1 and 1 more transcripts); c.1574G>A, p.Arg525Gln (NM_000323.2, NM_001406743.1, NM_001406744.1 and 6 more transcripts); c.812G>A, p.Arg271Gln (NM_001355216.2); c.1445G>A, p.Arg482Gln (NM_001406761.1, NM_001406762.1, NM_001406764.1 and 1 more transcripts); c.1286G>A, p.Arg429Gln (NM_001406766.1, NM_001406767.1, NM_001406770.1); and 5 more; short protein forms R525Q, R271Q, R183Q, R379Q, R393Q, R429Q, R283Q, R350Q.
Identifiers: ClinVar variation 477321 (VCV000477321.15), dbSNP rs752830820, ClinGen allele CA034474.